The following is an entry in ClinVar:

NM_006118.4(HAX1):c.160C>G (p.Pro54Ala)

Gene: HAX1 (HCLS1 associated protein X-1; plus strand). Cytogenetic location: 1q21.3.
Variant type: single nucleotide variant.
Coding change: c.160C>G on transcript NM_006118.4 (MANE Select); coding-DNA position 160, C replaced by G.
Protein change: p.Pro54Ala; replaces proline 54 with alanine.
Molecular consequence: missense variant. On other transcripts: intron variant (1).
Genome position (GRCh38, 1-based): chr1:154,273,442, C>G. VCF-style: chr1-154273442-C-G. GRCh37 (hg19) VCF-style: chr1-154245918-C-G.
Other names: c.54-38C>G (NM_001018837.2); short protein forms P54A.
Identifiers: ClinVar variation 656724 (VCV000656724.9), dbSNP rs139205111, ClinGen allele CA1127272.
Genomic context (GRCh38, chr1:154,273,442, plus strand): 5'-GATGAGGAAGAAGAAGAAGAAGGGGGCTCATGGGGCCGTGGGAACCCAAGGTTCCATAGT[C>G]CTCAGCACCCCCCTGAGGAATTTGGCTTCGGCTTCAGCTTCAGCCCAGGAGGAGGGATAC-3'
Protein context (NP_006109.2, residues 44-64): WGRGNPRFHS[Pro54Ala]QHPPEEFGFG

ClinVar aggregate classification (germline): Uncertain significance. Review status: criteria provided, multiple submitters, no conflicts (2 of 4 stars). 3 submissions from 3 submitters: Uncertain significance (2). 1 of the submissions does not count toward it. Last evaluated 2025-01-07.

Conditions:
Kostmann syndrome (SCN3). Also called: KOSTMANN DISEASE; Autosomal recessive severe congenital neutropenia type 3. Identifiers: Orphanet 99749, MedGen C5235141, MONDO:0012548, OMIM 610738.
Inborn genetic diseases. Identifiers: MedGen C0950123, MeSH D030342.

Allele frequency attached by ClinVar (database versions not stated): gnomAD 0.00007; ESP Exome Variant Server 0.00015; gnomAD exomes 0.00020; ExAC 0.00033; 1000 Genomes Project 0.00020; TOPMed 0.00011; 1000 Genomes Project 30x 0.00016.

Submissions (3):

Ambry Genetics
Classification: Uncertain significance for Inborn genetic diseases. Last evaluated: 2025-01-07. Review status: criteria provided, single submitter. Criteria: Ambry Variant Classification Scheme 2023. Collection method: clinical testing. Allele origin: germline.

Labcorp Genetics (formerly Invitae), Labcorp
Classification: Uncertain significance for Kostmann syndrome. Last evaluated: 2022-10-27. Review status: criteria provided, single submitter. Criteria: Invitae Variant Classification Sherloc (09022015). Collection method: clinical testing. Allele origin: germline.
Comment: This sequence change replaces proline, which is neutral and non-polar, with alanine, which is neutral and non-polar, at codon 54 of the HAX1 protein (p.Pro54Ala). This variant is present in population databases (rs139205111, gnomAD 0.04%). This variant has not been reported in the literature in individuals affected with HAX1-related conditions. ClinVar contains an entry for this variant (Variation ID: 656724). Algorithms developed to predict the effect of missense changes on protein structure and function (SIFT, PolyPhen-2, Align-GVGD) all suggest that this variant is likely to be tolerated. In summary, the available evidence is currently insufficient to determine the role of this variant in disease. Therefore, it has been classified as a Variant of Uncertain Significance.

Natera, Inc.
Classification: Likely benign for Autosomal recessive severe congenital neutropenia type 3. Last evaluated: 2020-05-02. Review status: no assertion criteria provided. Collection method: clinical testing. Allele origin: germline. Not counted in ClinVar's aggregate classification.